The following is an entry in ClinVar:

ClinVar aggregate classification (germline): Uncertain significance. Review status: criteria provided, multiple submitters, no conflicts (2 of 4 stars). 2 submissions from 2 submitters: Uncertain significance (2). Last evaluated 2025-02-16.

Allele frequency attached by ClinVar (database versions not stated): gnomAD exomes 0.00001; gnomAD 0.00002; TOPMed 0.00002.
gnomAD v4.1: 16 of 1,613,622 alleles (0.00099%); highest among the groups gnomAD compares: Admixed American, 0.013%; no homozygotes.

Submissions (2):

Labcorp Genetics (formerly Invitae), Labcorp
Classification: Uncertain significance. Last evaluated: 2025-02-16. Review status: criteria provided, single submitter. Criteria: Invitae Variant Classification Sherloc (09022015). Collection method: clinical testing. Allele origin: germline.
Comment: This sequence change replaces asparagine, which is neutral and polar, with serine, which is neutral and polar, at codon 649 of the NFKB1 protein (p.Asn649Ser). This variant is present in population databases (no rsID available, gnomAD 0.02%). This variant has not been reported in the literature in individuals affected with NFKB1-related conditions. ClinVar contains an entry for this variant (Variation ID: 2998722). Invitae Evidence Modeling of protein sequence and biophysical properties (such as structural, functional, and spatial information, amino acid conservation, physicochemical variation, residue mobility, and thermodynamic stability) indicates that this missense variant is not expected to disrupt NFKB1 protein function with a negative predictive value of 80%. In summary, the available evidence is currently insufficient to determine the role of this variant in disease. Therefore, it has been classified as a Variant of Uncertain Significance.

GeneDx
Classification: Uncertain significance. Last evaluated: 2023-10-25. Review status: criteria provided, single submitter. Criteria: GeneDx Variant Classification Process June 2021. Collection method: clinical testing. Allele origin: germline. Affected: yes.
Comment: In silico analysis supports that this missense variant has a deleterious effect on protein structure/function; Has not been previously published as pathogenic or benign to our knowledge

NM_003998.4(NFKB1):c.1946A>G (p.Asn649Ser)

Gene: NFKB1 (nuclear factor kappa B subunit 1; plus strand). Cytogenetic location: 4q24.
Variant type: single nucleotide variant.
Coding change: c.1946A>G on transcript NM_003998.4 (MANE Select); coding-DNA position 1946, A replaced by G.
Protein change: p.Asn649Ser; replaces asparagine 649 with serine.
Molecular consequence: missense variant.
Genome position (GRCh38, 1-based): chr4:102,606,689, A>G. VCF-style: chr4-102606689-A-G. GRCh37 (hg19) VCF-style: chr4-103527846-A-G.
Other names: c.1946A>G (NM_003998.3); c.1943A>G, p.Asn648Ser (NM_001165412.2, NM_001319226.2, NM_001382627.1); c.1946A>G, p.Asn649Ser (NM_001382625.1, NM_001382626.1); c.1904A>G, p.Asn635Ser (NM_001382628.1); short protein forms N648S, N635S, N649S.
Identifiers: ClinVar variation 2998722 (VCV002998722.4), dbSNP rs1175205869, ClinGen allele CA357752242.